The following is an entry in ClinVar:

NM_000051.4(ATM):c.8174A>C (p.Asp2725Ala)

Genes: ATM (ATM serine/threonine kinase; plus strand), C11orf65 (chromosome 11 open reading frame 65; minus strand). Cytogenetic location: 11q22.3.
Variant type: single nucleotide variant.
Coding change: c.8174A>C on transcript NM_000051.4 (MANE Select); coding-DNA position 8174, A replaced by C.
Protein change: p.Asp2725Ala; replaces aspartic acid 2725 with alanine.
Molecular consequence: missense variant. On other transcripts: intron variant (2).
Genome position (GRCh38, 1-based): chr11:108,335,867, A>C. VCF-style: chr11-108335867-A-C. GRCh37 (hg19) VCF-style: chr11-108206594-A-C.
Other names: c.8174A>C, p.Asp2725Ala (NM_001351834.2); c.641-26796T>G (NM_001330368.2); c.695-575T>G (NM_001351110.2); short protein forms D2725A.
Identifiers: ClinVar variation 2717185 (VCV002717185.3), dbSNP rs1555128314, ClinGen allele CA382562501.

ClinVar aggregate classification (germline): Uncertain significance (1 of 4 stars; one submission).

Conditions:
Ataxia-telangiectasia syndrome (AT). Also called: LOUIS-BAR SYNDROME; Cerebello-oculocutaneous telangiectasia; Immunodeficiency with ataxia telangiectasia; Ataxia telangiectasia (A-T); Ataxia-telangiectasia, complementation group D; AT, COMPLEMENTATION GROUP C. Identifiers: Orphanet 100, MedGen C0004135, MONDO:0008840, OMIM 208900.

Submission:

Labcorp Genetics (formerly Invitae), Labcorp
Classification: Uncertain significance for Ataxia-telangiectasia syndrome. Last evaluated: 2023-06-16. Review status: criteria provided, single submitter. Criteria: Invitae Variant Classification Sherloc (09022015). Collection method: clinical testing. Allele origin: germline.
Comment: An algorithm developed to predict the effect of missense changes on protein structure and function (PolyPhen-2) suggests that this variant is likely to be disruptive. This variant has not been reported in the literature in individuals affected with ATM-related conditions. This variant is not present in population databases (gnomAD no frequency). This sequence change replaces aspartic acid, which is acidic and polar, with alanine, which is neutral and non-polar, at codon 2725 of the ATM protein (p.Asp2725Ala). In summary, the available evidence is currently insufficient to determine the role of this variant in disease. Therefore, it has been classified as a Variant of Uncertain Significance.